The following is an entry in ClinVar:

ClinVar aggregate classification (germline): Uncertain significance (1 of 4 stars; one submission).

Conditions:
Dilated cardiomyopathy 1KK (CMD1KK). Identifiers: Orphanet 154, Orphanet 75249, MedGen C3714995, MONDO:0014100, OMIM 615248.

Allele frequency attached by ClinVar (database versions not stated): gnomAD exomes below 0.00001; TOPMed below 0.00001; gnomAD 0.00001.
gnomAD v4.1: 2 of 1,613,804 alleles (0.00012%); no homozygotes.

Submission:

Labcorp Genetics (formerly Invitae), Labcorp
Classification: Uncertain significance for Dilated cardiomyopathy 1KK. Last evaluated: 2021-07-29. Review status: criteria provided, single submitter. Criteria: Invitae Variant Classification Sherloc (09022015). Collection method: clinical testing. Allele origin: germline.
Comment: In summary, the available evidence is currently insufficient to determine the role of this variant in disease. Therefore, it has been classified as a Variant of Uncertain Significance. Algorithms developed to predict the effect of missense changes on protein structure and function (SIFT, PolyPhen-2, Align-GVGD) all suggest that this variant is likely to be tolerated, but these predictions have not been confirmed by published functional studies and their clinical significance is uncertain. This variant has not been reported in the literature in individuals with MYPN-related conditions. This variant is not present in population databases (ExAC no frequency). This sequence change replaces isoleucine with valine at codon 431 of the MYPN protein (p.Ile431Val). The isoleucine residue is moderately conserved and there is a small physicochemical difference between isoleucine and valine.

NM_032578.4(MYPN):c.1291A>G (p.Ile431Val)

Gene: MYPN (myopalladin; plus strand). Cytogenetic location: 10q21.3.
Variant type: single nucleotide variant.
Coding change: c.1291A>G on transcript NM_032578.4 (MANE Select); coding-DNA position 1291, A replaced by G.
Protein change: p.Ile431Val; replaces isoleucine 431 with valine.
Molecular consequence: missense variant. On other transcripts: non-coding transcript variant (2).
Genome position (GRCh38, 1-based): chr10:68,150,085, A>G. VCF-style: chr10-68150085-A-G. GRCh37 (hg19) VCF-style: chr10-69909842-A-G.
Other names: c.1291A>G, p.Ile431Val (NM_001256267.2); c.409A>G, p.Ile137Val (NM_001256268.2); short protein forms I137V, I431V.
Identifiers: ClinVar variation 1445316 (VCV001445316.8), dbSNP rs2042742128, ClinGen allele CA376833470.